The following is an entry in ClinVar:

ClinVar aggregate classification (germline): Uncertain significance. Review status: criteria provided, multiple submitters, no conflicts (2 of 4 stars). 2 submissions from 2 submitters: Uncertain significance (2). Last evaluated 2025-07-10.

Conditions:
Hereditary cancer-predisposing syndrome. Also called: Tumor predisposition; Hereditary neoplastic syndrome; Neoplastic Syndromes, Hereditary; Hereditary Cancer Syndrome. Identifiers: Orphanet 140162, MedGen C0027672, MeSH D009386, MONDO:0015356.
Familial adenomatous polyposis 1 (FAP1). Also called: FAMILIAL ADENOMATOUS POLYPOSIS 1, ATTENUATED; POLYPOSIS, ADENOMATOUS INTESTINAL. Identifiers: MedGen C2713442, MONDO:0021056, OMIM 175100. Disease mechanism: loss of function.

Allele frequency attached by ClinVar (database versions not stated): gnomAD exomes below 0.00001.
gnomAD v4.1: 2 of 1,614,052 alleles (0.00012%); highest among the groups gnomAD compares: African/African-American, 0.0013%; no homozygotes.

Submissions (2):

Ambry Genetics
Classification: Uncertain significance for Hereditary cancer-predisposing syndrome. Last evaluated: 2025-07-10. Review status: criteria provided, single submitter. Criteria: Ambry Variant Classification Scheme 2023. Collection method: clinical testing. Allele origin: germline.
Comment: The p.T600S variant (also known as c.1799C>G), located in coding exon 14 of the APC gene, results from a C to G substitution at nucleotide position 1799. The threonine at codon 600 is replaced by serine, an amino acid with similar properties. This amino acid position is conserved. In addition, in silico predictors for this gene do not accurately predict pathogenicity. Based on the available evidence, the clinical significance of this variant remains unclear.

Labcorp Genetics (formerly Invitae), Labcorp
Classification: Uncertain significance for Familial adenomatous polyposis 1. Last evaluated: 2021-11-12. Review status: criteria provided, single submitter. Criteria: Invitae Variant Classification Sherloc (09022015). Collection method: clinical testing. Allele origin: germline.
Comment: ClinVar contains an entry for this variant (Variation ID: 847385). This sequence change replaces threonine, which is neutral and polar, with serine, which is neutral and polar, at codon 600 of the APC protein (p.Thr600Ser). This variant is present in population databases (no rsID available, gnomAD 0.007%). This variant has not been reported in the literature in individuals affected with APC-related conditions. Algorithms developed to predict the effect of missense changes on protein structure and function (SIFT, PolyPhen-2, Align-GVGD) all suggest that this variant is likely to be tolerated. Algorithms developed to predict the effect of sequence changes on RNA splicing suggest that this variant may create or strengthen a splice site. In summary, the available evidence is currently insufficient to determine the role of this variant in disease. Therefore, it has been classified as a Variant of Uncertain Significance.

NM_000038.6(APC):c.1799C>G (p.Thr600Ser)

Gene: APC (APC regulator of Wnt signaling pathway; plus strand). Cytogenetic location: 5q22.2.
Variant type: single nucleotide variant.
Coding change: c.1799C>G on transcript NM_000038.6 (MANE Select); coding-DNA position 1799, C replaced by G.
Protein change: p.Thr600Ser; replaces threonine 600 with serine.
Molecular consequence: missense variant.
Genome position (GRCh38, 1-based): chr5:112,835,006, C>G. VCF-style: chr5-112835006-C-G. GRCh37 (hg19) VCF-style: chr5-112170703-C-G.
Other names: c.1799C>G, p.Thr600Ser (NM_001127510.3, NM_001354895.2); c.1745C>G, p.Thr582Ser (NM_001127511.3); c.1853C>G, p.Thr618Ser (NM_001354896.2); c.1829C>G, p.Thr610Ser (NM_001354897.2); c.1724C>G, p.Thr575Ser (NM_001354898.2); c.1715C>G, p.Thr572Ser (NM_001354899.2); c.1676C>G, p.Thr559Ser (NM_001354900.2); c.1622C>G, p.Thr541Ser (NM_001354901.2); and 5 more; short protein forms T317S, T541S, T618S, T440S, T559S, T600S, T474S, T572S.
Identifiers: ClinVar variation 847385 (VCV000847385.10), dbSNP rs1269090982, ClinGen allele CA16025256.